The following is an entry in ClinVar:

NM_021930.6(RINT1):c.1895C>G (p.Ser632Cys)

Genes: EFCAB10 (EF-hand calcium binding domain 10; minus strand), RINT1 (RAD50 interactor 1; plus strand). Cytogenetic location: 7q22.3.
Variant type: single nucleotide variant.
Coding change: c.1895C>G on transcript NM_021930.6 (MANE Select); coding-DNA position 1895, C replaced by G.
Protein change: p.Ser632Cys; replaces serine 632 with cysteine.
Molecular consequence: missense variant. On other transcripts: 3 prime UTR variant (3), non-coding transcript variant (1).
Genome position (GRCh38, 1-based): chr7:105,565,285, C>G. VCF-style: chr7-105565285-C-G. GRCh37 (hg19) VCF-style: chr7-105205732-C-G.
Other names: c.*162G>C (NM_001355526.2); c.*264G>C (NM_001355530.2); c.*117G>C (NM_001355531.2); c.1661C>G, p.Ser554Cys (NM_001346599.2); c.872C>G, p.Ser291Cys (NM_001346600.2, NM_001346603.2); c.971C>G, p.Ser324Cys (NM_001346601.2); short protein forms S291C, S324C, S554C, S632C.
Identifiers: ClinVar variation 3227622 (VCV003227622.1), dbSNP rs1470112438, ClinGen allele CA368814650.

ClinVar aggregate classification (germline): Uncertain significance (1 of 4 stars; one submission).

Allele frequency attached by ClinVar (database versions not stated): TOPMed below 0.00001.
gnomAD v4.1: 16 of 1,587,242 alleles (0.001%); highest among the groups gnomAD compares: Non-Finnish European, 0.0014%; no homozygotes.

Submission:

Ambry Genetics
Classification: Uncertain significance. Last evaluated: 2024-03-08. Review status: criteria provided, single submitter. Criteria: Ambry Variant Classification Scheme 2023. Collection method: clinical testing. Allele origin: germline.
Comment: The p.S632C variant (also known as c.1895C>G), located in coding exon 13 of the RINT1 gene, results from a C to G substitution at nucleotide position 1895. The serine at codon 632 is replaced by cysteine, an amino acid with dissimilar properties. This amino acid position is conserved. In addition, the in silico prediction for this alteration is inconclusive. Based on the available evidence, the clinical significance of this alteration remains unclear.